The following is an entry in ClinVar:

ClinVar aggregate classification (germline): Uncertain significance (1 of 4 stars; one submission).

Allele frequency attached by ClinVar (database versions not stated): gnomAD 0.00001; gnomAD exomes 0.00001.
gnomAD v4.1: 6 of 1,613,880 alleles (0.00037%); highest among the groups gnomAD compares: Non-Finnish European, 0.00051%; no homozygotes.

Submission:

CeGaT Center for Human Genetics Tuebingen
Classification: Uncertain significance. Last evaluated: 2022-09-01. Review status: criteria provided, single submitter. Criteria: CeGaT Center For Human Genetics Tuebingen Variant Classification Criteria Version 2. Collection method: clinical testing. Allele origin: germline. Affected: yes. Observed: 1 variant allele.
Comment: TTN: PM2

NM_001267550.2(TTN):c.87907A>G (p.Ser29303Gly)

Genes: TTN (titin; minus strand), TTN-AS1 (TTN antisense RNA 1; plus strand). Cytogenetic location: 2q31.2.
Variant type: single nucleotide variant.
Coding change: c.87907A>G on transcript NM_001267550.2 (MANE Select); coding-DNA position 87907, A replaced by G.
Protein change: p.Ser29303Gly; replaces serine 29303 with glycine.
Molecular consequence: missense variant.
Genome position (GRCh38, 1-based): chr2:178,557,355, T>C on the plus strand (A>G on the coding strand, the complement: TTN is on the minus strand). VCF-style: chr2-178557355-T-C. GRCh37 (hg19) VCF-style: chr2-179422082-T-C.
Other names: c.82984A>G, p.Ser27662Gly (NM_001256850.1); c.60712A>G, p.Ser20238Gly (NM_003319.4); c.80203A>G, p.Ser26735Gly (NM_133378.4); c.61087A>G, p.Ser20363Gly (NM_133432.3); c.61288A>G, p.Ser20430Gly (NM_133437.4); short protein forms S20238G, S20363G, S20430G, S26735G, S27662G, S29303G.
Identifiers: ClinVar variation 2651598 (VCV002651598.24), dbSNP rs72648231, ClinGen allele CA60981461.